The following is an entry in ClinVar:

ClinVar aggregate classification (germline): Uncertain significance (1 of 4 stars; one submission).

Conditions:
Primary familial hypertrophic cardiomyopathy (HCM). Identifiers: Orphanet 99739, MedGen C0949658, MeSH D024741, MONDO:0024573. Inheritance: Various modes of inheritance.
Dilated cardiomyopathy 1AA (CMD1AA). Also called: Cardiomyopathy, dilated, 1AA, with or without LVNC; CARDIOMYOPATHY, DILATED, 1AA, WITH OR WITHOUT LEFT VENTRICULAR NONCOMPACTION; CARDIOMYOPATHY, FAMILIAL HYPERTROPHIC, 23, WITH OR WITHOUT LEFT VENTRICULAR NONCOMPACTION. Identifiers: Orphanet 154, MedGen C2677338, MONDO:0012808, OMIM 612158.

Submission:

Labcorp Genetics (formerly Invitae), Labcorp
Classification: Uncertain significance for Primary familial hypertrophic cardiomyopathy; Dilated cardiomyopathy 1AA. Last evaluated: 2018-11-07. Review status: criteria provided, single submitter. Criteria: Invitae Variant Classification Sherloc (09022015). Collection method: clinical testing. Allele origin: germline.
Comment: This variant is a deletion of the genomic region encompassing part of exon 13 (c.1407-542_1445del) of the ACTN2 gene. It is expected to disrupt RNA splicing and likely results in an absent or disrupted protein product. This variant has not been reported in the literature in individuals with ACTN2-related disease. The current clinical and genetic evidence is not sufficient to establish whether loss-of-function variants in ACTN2 cause disease. In summary, the available evidence is currently insufficient to determine the role of this variant in disease. Therefore, it has been classified as a Variant of Uncertain Significance.

NM_001103.4(ACTN2):c.1407-541_1446del

Gene: ACTN2 (actinin alpha 2; plus strand). Cytogenetic location: 1q43.
Variant type: Deletion.
Coding change: c.1407-541_1446del on transcript NM_001103.4 (MANE Select); 541 bases into the intron before coding-DNA position 1407 through coding-DNA position 1446, 581 bases deleted.
Molecular consequence: splice acceptor variant.
Genome position (GRCh38, 1-based): chr1:236,747,126-236,747,706, 581 bases deleted. GRCh37 (hg19): chr1:236,910,426-236,911,006.
Other names: c.783-541_822del (NM_001278344.2); c.1407-541_1446del (NM_001278343.2).
Identifiers: ClinVar variation 644518 (VCV000644518.1), dbSNP rs1572139563, ClinGen allele CA915942086.